The following is an entry in ClinVar:

ClinVar aggregate classification (germline): Uncertain significance. Review status: criteria provided, multiple submitters, no conflicts (2 of 4 stars). 2 submissions from 2 submitters: Uncertain significance (2). Last evaluated 2025-01-19.

Conditions:
Inborn genetic diseases. Identifiers: MedGen C0950123, MeSH D030342.

Submissions (2):

Ambry Genetics
Classification: Uncertain significance for Inborn genetic diseases. Last evaluated: 2025-01-19. Review status: criteria provided, single submitter. Criteria: Ambry Variant Classification Scheme 2023. Collection method: clinical testing. Allele origin: germline.

Labcorp Genetics (formerly Invitae), Labcorp
Classification: Uncertain significance. Last evaluated: 2024-02-06. Review status: criteria provided, single submitter. Criteria: Invitae Variant Classification Sherloc (09022015). Collection method: clinical testing. Allele origin: germline.
Comment: This sequence change replaces tyrosine, which is neutral and polar, with aspartic acid, which is acidic and polar, at codon 127 of the C1S protein (p.Tyr127Asp). This variant is present in population databases (no rsID available, gnomAD 0.009%). This variant has not been reported in the literature in individuals affected with C1S-related conditions. Advanced modeling of protein sequence and biophysical properties (such as structural, functional, and spatial information, amino acid conservation, physicochemical variation, residue mobility, and thermodynamic stability) performed at Invitae indicates that this missense variant is expected to disrupt C1S protein function with a positive predictive value of 80%. In summary, the available evidence is currently insufficient to determine the role of this variant in disease. Therefore, it has been classified as a Variant of Uncertain Significance.

NM_001734.5(C1S):c.379T>G (p.Tyr127Asp)

Gene: C1S (complement C1s; plus strand). Cytogenetic location: 12p13.31.
Variant type: single nucleotide variant.
Coding change: c.379T>G on transcript NM_001734.5 (MANE Select); coding-DNA position 379, T replaced by G.
Protein change: p.Tyr127Asp; replaces tyrosine 127 with aspartic acid.
Molecular consequence: missense variant. On other transcripts: 5 prime UTR variant (1).
Genome position (GRCh38, 1-based): chr12:7,063,055, T>G. VCF-style: chr12-7063055-T-G. GRCh37 (hg19) VCF-style: chr12-7170359-T-G.
Other names: c.379T>G (NM_201442.2); c.-123T>G (NM_001346850.2); c.379T>G, p.Tyr127Asp (NM_201442.4); short protein forms Y127D.
Identifiers: ClinVar variation 3670683 (VCV003670683.3).